The following is an entry in ClinVar:

ClinVar aggregate classification (germline): Uncertain significance (1 of 4 stars; one submission).

Allele frequency attached by ClinVar (database versions not stated): gnomAD exomes below 0.00001; ExAC 0.00001; gnomAD 0.00001; TOPMed 0.00001; 1000 Genomes Project 0.00040; 1000 Genomes Project 30x 0.00062.
gnomAD v4.1: 2 of 1,367,454 alleles (0.00015%); highest among the groups gnomAD compares: Admixed American, 0.0038%; no homozygotes.

Submission:

Labcorp Genetics (formerly Invitae), Labcorp
Classification: Uncertain significance. Last evaluated: 2022-08-22. Review status: criteria provided, single submitter. Criteria: Invitae Variant Classification Sherloc (09022015). Collection method: clinical testing. Allele origin: germline.
Comment: This sequence change replaces alanine, which is neutral and non-polar, with valine, which is neutral and non-polar, at codon 1365 of the ERCC6L2 protein (p.Ala1365Val). This variant is not present in population databases (gnomAD no frequency). This variant has not been reported in the literature in individuals affected with ERCC6L2-related conditions. ClinVar contains an entry for this variant (Variation ID: 1411678). Algorithms developed to predict the effect of missense changes on protein structure and function are either unavailable or do not agree on the potential impact of this missense change (SIFT: "Tolerated"; PolyPhen-2: "Not Available"; Align-GVGD: "Class C0"). In summary, the available evidence is currently insufficient to determine the role of this variant in disease. Therefore, it has been classified as a Variant of Uncertain Significance.

NM_020207.7(ERCC6L2):c.4061C>T (p.Ala1354Val)

Gene: ERCC6L2 (ERCC excision repair 6 like 2; plus strand). Cytogenetic location: 9q22.32.
Variant type: single nucleotide variant.
Coding change: c.4061C>T on transcript NM_020207.7 (MANE Select); coding-DNA position 4061, C replaced by T.
Protein change: p.Ala1354Val; replaces alanine 1354 with valine.
Molecular consequence: missense variant. On other transcripts: non-coding transcript variant (1), intron variant (2).
Genome position (GRCh38, 1-based): chr9:96,012,611, C>T. VCF-style: chr9-96012611-C-T. GRCh37 (hg19) VCF-style: chr9-98774893-C-T.
Other names: c.3674+7910C>T (NM_001375291.1, NM_001375292.1); short protein forms A1354V.
Identifiers: ClinVar variation 1411678 (VCV001411678.5), dbSNP rs555556307, ClinGen allele CA5140042.